The following is an entry in ClinVar:

ClinVar aggregate classification (germline): Uncertain significance. Review status: criteria provided, single submitter (1 of 4 stars). 2 submissions from 2 submitters: Uncertain significance (1). 1 of the submissions does not count toward it. Last evaluated 2022-08-21.

Conditions:
Neuronal ceroid lipofuscinosis 2. Also called: TPP1-Related Neuronal Ceroid-Lipofuscinosis; JANSKY-BIELSCHOWSKY DISEASE NEURONAL CEROID LIPOFUSCINOSIS, LATE INFANTILE. Identifiers: Orphanet 168491, Orphanet 228349, Orphanet 79264, MedGen C1876161, MONDO:0008769, OMIM 204500.

Allele frequency attached by ClinVar (database versions not stated): gnomAD exomes 0.00001 and 0.00002; ExAC 0.00002; TOPMed below 0.00001.
gnomAD v4.1: 3 of 1,614,110 alleles (0.00019%); highest among the groups gnomAD compares: Admixed American, 0.005%; no homozygotes.

Submissions (2):

Labcorp Genetics (formerly Invitae), Labcorp
Classification: Uncertain significance. Last evaluated: 2022-08-21. Review status: criteria provided, single submitter. Criteria: Invitae Variant Classification Sherloc (09022015). Collection method: clinical testing. Allele origin: germline.
Comment: This sequence change replaces isoleucine, which is neutral and non-polar, with threonine, which is neutral and polar, at codon 484 of the TPP1 protein (p.Ile484Thr). This variant is present in population databases (rs748533410, gnomAD 0.01%). This variant has not been reported in the literature in individuals affected with TPP1-related conditions. ClinVar contains an entry for this variant (Variation ID: 457940). Advanced modeling of protein sequence and biophysical properties (such as structural, functional, and spatial information, amino acid conservation, physicochemical variation, residue mobility, and thermodynamic stability) performed at Invitae indicates that this missense variant is expected to disrupt TPP1 protein function. In summary, the available evidence is currently insufficient to determine the role of this variant in disease. Therefore, it has been classified as a Variant of Uncertain Significance.

Natera, Inc.
Classification: Uncertain significance for Neuronal ceroid lipofuscinosis 2. Last evaluated: 2019-11-11. Review status: no assertion criteria provided. Collection method: clinical testing. Allele origin: germline. Not counted in ClinVar's aggregate classification.

NM_000391.4(TPP1):c.1451T>C (p.Ile484Thr)

Gene: TPP1 (tripeptidyl peptidase 1; minus strand). Cytogenetic location: 11p15.4.
Variant type: single nucleotide variant.
Coding change: c.1451T>C on transcript NM_000391.4 (MANE Select); coding-DNA position 1451, T replaced by C.
Protein change: p.Ile484Thr; replaces isoleucine 484 with threonine.
Molecular consequence: missense variant.
Genome position (GRCh38, 1-based): chr11:6,614,966, A>G on the plus strand (T>C on the coding strand, the complement: TPP1 is on the minus strand). VCF-style: chr11-6614966-A-G. GRCh37 (hg19) VCF-style: chr11-6636197-A-G.
Other names: short protein forms I484T.
Identifiers: ClinVar variation 457940 (VCV000457940.8), dbSNP rs748533410, ClinGen allele CA5858643.